The following is an entry in ClinVar:

ClinVar aggregate classification (germline): Uncertain significance (1 of 4 stars; one submission).

Conditions:
SH2B1-related disorder. Also called: SH2B1-related condition.

Submission:

PreventionGenetics, part of Exact Sciences
Classification: Uncertain significance for SH2B1-related condition. Last evaluated: 2024-10-23. Review status: criteria provided, single submitter. Criteria: ACMG Guidelines, 2015. Collection method: clinical testing. Allele origin: germline.
Comment: The SH2B1 c.118G>T variant is predicted to result in the amino acid substitution p.Asp40Tyr. To our knowledge, this variant has not been reported in the literature or in a large population database (gnomAD), indicating this variant is rare. At this time, the clinical significance of this variant is uncertain due to the absence of conclusive functional and genetic evidence.

NM_001387430.1(SH2B1):c.118G>T (p.Asp40Tyr)

Gene: SH2B1 (SH2B adaptor protein 1; plus strand). Cytogenetic location: 16p11.2.
Variant type: single nucleotide variant.
Coding change: c.118G>T on transcript NM_001387430.1 (MANE Select); coding-DNA position 118, G replaced by T.
Protein change: p.Asp40Tyr; replaces aspartic acid 40 with tyrosine.
Molecular consequence: missense variant. On other transcripts: intron variant (1).
Genome position (GRCh38, 1-based): chr16:28,866,212, G>T. VCF-style: chr16-28866212-G-T. GRCh37 (hg19) VCF-style: chr16-28877533-G-T.
Other names: c.118G>T, p.Asp40Tyr (NM_001145795.2, NM_001145796.2, NM_001145797.2 and 4 more transcripts); c.-26-1162G>T (NM_001308294.2); short protein forms D40Y.
Identifiers: ClinVar variation 5001190 (VCV005001190.1).